The following is an entry in ClinVar:

ClinVar aggregate classification (germline): Uncertain significance (1 of 4 stars; one submission).

Conditions:
Cardiovascular phenotype. Identifiers: MedGen CN230736.

Submission:

Molecular Diagnostic Laboratory for Inherited Cardiovascular Disease, Montreal Heart Institute
Classification: Uncertain significance for Cardiovascular phenotype. Last evaluated: 2025-07-24. Review status: criteria provided, single submitter. Criteria: ACMG Guidelines, 2015. Collection method: clinical testing. Allele origin: germline. Affected: yes.
Comment: PM1, PM2, PP3

NM_000393.5(COL5A2):c.2222G>T (p.Gly741Val)

Gene: COL5A2 (collagen type V alpha 2 chain; minus strand). Cytogenetic location: 2q32.2.
Variant type: single nucleotide variant.
Coding change: c.2222G>T on transcript NM_000393.5 (MANE Select); coding-DNA position 2222, G replaced by T.
Protein change: p.Gly741Val; replaces glycine 741 with valine.
Molecular consequence: missense variant.
Genome position (GRCh38, 1-based): chr2:189,058,436, C>A on the plus strand (G>T on the coding strand, the complement: COL5A2 is on the minus strand). VCF-style: chr2-189058436-C-A. GRCh37 (hg19) VCF-style: chr2-189923162-C-A.
Other names: short protein forms G741V.
Identifiers: ClinVar variation 4076480 (VCV004076480.1).
Genomic context (GRCh38, chr2:189,058,436, plus strand): 5'-TTAAGCAGTAATTTTAAAGCATTTTAAAACACTGAGATCACTATGACACTTACTTTTGGG[C>A]CATCAGGACCATGTCCTCCAGCCATTCCCTTCTCACCAGGGAGTCCAGTTATCCCAGGTT-3'
Protein context (NP_000384.2, residues 731-751): KGMAGGHGPD[Gly741Val]PKGSPGPSGT